The following is an entry in ClinVar:

NM_016492.5(RANGRF):c.438C>G (p.Pro146=)

Genes: RANGRF (RAN guanine nucleotide release factor; plus strand), SLC25A35 (solute carrier family 25 member 35; minus strand). Cytogenetic location: 17p13.1.
Variant type: single nucleotide variant.
Coding change: c.438C>G on transcript NM_016492.5 (MANE Select); coding-DNA position 438, C replaced by G.
Protein change: p.Pro146=; no amino-acid change (proline 146 retained).
Molecular consequence: synonymous variant. On other transcripts: 3 prime UTR variant (2), missense variant (1), intron variant (3).
Genome position (GRCh38, 1-based): chr17:8,289,813, C>G. VCF-style: chr17-8289813-C-G. GRCh37 (hg19) VCF-style: chr17-8193131-C-G.
Other names: c.*221C>G (NM_001177801.2); c.*252C>G (NM_001177802.2); c.352C>G, p.Pro118Ala (NM_001330127.2); c.860+41G>C (NM_001320871.2, NM_201520.3, NM_001320872.2); short protein forms P118A.
Identifiers: ClinVar variation 4726574 (VCV004726574.1).

ClinVar aggregate classification (germline): Uncertain significance (1 of 4 stars; one submission).

Conditions:
Cardiac arrhythmia. Also called: Arrhythmia; Cardiac rhythm disease. Identifiers: MedGen C0003811, MONDO:0007263, HP:0011675.

Submission:

Labcorp Genetics (formerly Invitae), Labcorp
Classification: Uncertain significance for Cardiac arrhythmia. Last evaluated: 2026-01-05. Review status: criteria provided, single submitter. Criteria: Invitae Variant Classification Sherloc (09022015). Collection method: clinical testing. Allele origin: germline.
Comment: This sequence change affects codon 146 of the RANGRF mRNA. It is a 'silent' change, meaning that it does not change the encoded amino acid sequence of the RANGRF protein. It affects a nucleotide within the consensus splice site. This variant is not present in population databases (gnomAD no frequency). This variant has not been reported in the literature in individuals affected with RANGRF-related conditions. Algorithms developed to predict the effect of sequence changes on RNA splicing suggest that this variant is not likely to affect RNA splicing. In summary, the available evidence is currently insufficient to determine the role of this variant in disease. Therefore, it has been classified as a Variant of Uncertain Significance.